The following is an entry in ClinVar:

ClinVar aggregate classification (germline): Conflicting classifications of pathogenicity. Review status: criteria provided, conflicting classifications (1 of 4 stars). 4 submissions from 4 submitters: Uncertain significance (2); Likely benign (1). 1 of the submissions does not count toward it. Last evaluated 2024-08-28.

Conditions:
NEFH-related disorder. Also called: NEFH-related condition.
Inborn genetic diseases. Identifiers: MedGen C0950123, MeSH D030342.

Allele frequency attached by ClinVar (database versions not stated): gnomAD exomes below 0.00001; ExAC 0.00003; gnomAD 0.00004; TOPMed 0.00009.
gnomAD v4.1: 13 of 1,612,462 alleles (0.00081%); highest among the groups gnomAD compares: African/African-American, 0.015%; no homozygotes.

Submissions (4):

Ambry Genetics
Classification: Likely benign for Inborn genetic diseases. Last evaluated: 2024-08-28. Review status: criteria provided, single submitter. Criteria: Ambry Variant Classification Scheme 2023. Collection method: clinical testing. Allele origin: germline.

Labcorp Genetics (formerly Invitae), Labcorp
Classification: Uncertain significance. Last evaluated: 2023-03-07. Review status: criteria provided, single submitter. Criteria: Invitae Variant Classification Sherloc (09022015). Collection method: clinical testing. Allele origin: germline.
Comment: This variant has not been reported in the literature in individuals affected with NEFH-related conditions. In summary, the available evidence is currently insufficient to determine the role of this variant in disease. Therefore, it has been classified as a Variant of Uncertain Significance. Advanced modeling of protein sequence and biophysical properties (such as structural, functional, and spatial information, amino acid conservation, physicochemical variation, residue mobility, and thermodynamic stability) performed at Invitae indicates that this missense variant is not expected to disrupt NEFH protein function. ClinVar contains an entry for this variant (Variation ID: 1991924). This variant is present in population databases (rs755331383, gnomAD 0.02%). This sequence change replaces proline, which is neutral and non-polar, with alanine, which is neutral and non-polar, at codon 885 of the NEFH protein (p.Pro885Ala).

GeneDx
Classification: Uncertain significance. Last evaluated: 2023-02-21. Review status: criteria provided, single submitter. Criteria: GeneDx Variant Classification Process June 2021. Collection method: clinical testing. Allele origin: germline. Affected: yes.
Comment: In silico analysis supports that this missense variant has a deleterious effect on protein structure/function; Has not been previously published as pathogenic or benign to our knowledge

PreventionGenetics, part of Exact Sciences
Classification: Uncertain significance for NEFH-related condition. Last evaluated: 2024-08-05. Review status: no assertion criteria provided. Collection method: clinical testing. Allele origin: germline. Not counted in ClinVar's aggregate classification.
Comment: The NEFH c.2653C>G variant is predicted to result in the amino acid substitution p.Pro885Ala. To our knowledge, this variant has not been reported in the literature. This variant is reported in 0.016% of alleles in individuals of African descent in gnomAD. At this time, the clinical significance of this variant is uncertain due to the absence of conclusive functional and genetic evidence.

NM_021076.4(NEFH):c.2653C>G (p.Pro885Ala)

Gene: NEFH (neurofilament heavy chain; plus strand). Cytogenetic location: 22q12.2.
Variant type: single nucleotide variant.
Coding change: c.2653C>G on transcript NM_021076.4 (MANE Select); coding-DNA position 2653, C replaced by G.
Protein change: p.Pro885Ala; replaces proline 885 with alanine.
Molecular consequence: missense variant.
Genome position (GRCh38, 1-based): chr22:29,490,293, C>G. VCF-style: chr22-29490293-C-G. GRCh37 (hg19) VCF-style: chr22-29886282-C-G.
Other names: c.2653C>G (NM_021076.3); short protein forms P885A.
Identifiers: ClinVar variation 1991924 (VCV001991924.7), dbSNP rs755331383, ClinGen allele CA10174471.